The following is an entry in ClinVar:

ClinVar aggregate classification (germline): Uncertain significance (1 of 4 stars; one submission).

Conditions:
Coffin-Siris syndrome 12. Identifiers: MedGen C5444111, MONDO:0025699, OMIM 619325.

Submission:

Laboratorio de Genetica e Diagnostico Molecular, Hospital Israelita Albert Einstein
Classification: Uncertain significance for Coffin-Siris syndrome 12. Last evaluated: 2025-01-28. Review status: criteria provided, single submitter. Criteria: ACMG Guidelines, 2015. Collection method: clinical testing. Allele origin: germline. Affected: yes.
Comment: ACMG classification criteria: PM2 supporting, PP3 supporting

NM_001394372.1(BICRA):c.3077-7C>G

Gene: BICRA (BRD4 interacting chromatin remodeling complex associated protein; plus strand). Cytogenetic location: 19q13.33.
Variant type: single nucleotide variant.
Coding change: c.3077-7C>G on transcript NM_001394372.1 (MANE Select); 7 bases into the intron before coding-DNA position 3077, C replaced by G.
Molecular consequence: intron variant.
Genome position (GRCh38, 1-based): chr19:47,695,358, C>G. VCF-style: chr19-47695358-C-G. GRCh37 (hg19) VCF-style: chr19-48198615-C-G.
Other names: c.3077-7C>G (NM_015711.3).
Identifiers: ClinVar variation 3902073 (VCV003902073.1).